The following is an entry in ClinVar:

ClinVar aggregate classification (germline): Pathogenic (1 of 4 stars; one submission).

Conditions:
Epilepsy, familial focal, with variable foci 3 (FFEVF3). Identifiers: MedGen C4310708, MONDO:0014925, OMIM 617118.

Submission:

Labcorp Genetics (formerly Invitae), Labcorp
Classification: Pathogenic for Epilepsy, familial focal, with variable foci 3. Last evaluated: 2022-11-19. Review status: criteria provided, single submitter. Criteria: Invitae Variant Classification Sherloc (09022015). Collection method: clinical testing. Allele origin: unknown.
Comment: For these reasons, this variant has been classified as Pathogenic. This variant disrupts a region of the NPRL3 protein in which other variant(s) (p.Pro327Leu) have been determined to be pathogenic (PMID: 32086284; Invitae). This suggests that this is a clinically significant region of the protein, and that variants that disrupt it are likely to be disease-causing. This variant has not been reported in the literature in individuals affected with NPRL3-related conditions. This variant is a gross deletion of the genomic region encompassing exon(s) 8-14 of the NPRL3 gene, which includes the termination codon. This deletion extends beyond the assayed region for this gene and therefore may encompass additional genes. While this deletion is not anticipated to lead to nonsense mediated decay, it is expected to alter mRNA translation or result in a truncated protein product.

Literature cited by the submitters: PubMed 32086284.

NC_000016.9:g.(?_97132)_(150527_?)del

Genes: MPG (N-methylpurine DNA glycosylase; plus strand), NPRL3 (NPR3 like, GATOR1 complex subunit; minus strand), POLR3K (RNA polymerase III subunit K; minus strand), RHBDF1 (rhomboid 5 homolog 1; minus strand), SNRNP25 (small nuclear ribonucleoprotein U11/U12 subunit 25; plus strand). Cytogenetic location: 16p13.3.
Variant type: Deletion.
Identifiers: ClinVar variation 3243555 (VCV003243555.1).